The following is an entry in ClinVar:

ClinVar aggregate classification (germline): Pathogenic (1 of 4 stars; one submission).

Conditions:
Hereditary breast ovarian cancer syndrome. Also called: Hereditary breast and ovarian cancer syndrome; Hereditary breast and ovarian cancer; Hereditary breast and ovarian cancer syndrome (HBOC); Breast and ovarian cancer; Hereditary breast and/or ovarian cancer syndrome; BRCA1- and BRCA2-Associated Hereditary Breast and Ovarian Cancer. Identifiers: Orphanet 145, MedGen C0677776, MeSH D061325, MONDO:0003582. Disease mechanism: loss of function.

Submission:

Labcorp Genetics (formerly Invitae), Labcorp
Classification: Pathogenic for Hereditary breast ovarian cancer syndrome. Last evaluated: 2023-01-31. Review status: criteria provided, single submitter. Criteria: Invitae Variant Classification Sherloc (09022015). Collection method: clinical testing. Allele origin: unknown.
Comment: For these reasons, this variant has been classified as Pathogenic. This variant has not been reported in the literature in individuals affected with BRCA2-related conditions. This variant is a gross deletion of the genomic region encompassing exon(s) 3-18 of the BRCA2 gene. This deletion is out-of-frame, and is expected to create a premature termination codon and result in an absent or disrupted protein product. Loss-of-function variants in BRCA2 are known to be pathogenic (PMID: 20104584).

Literature cited by the submitters: PubMed 20104584.

NC_000013.10:g.(?_32893194)_(32937690_?)del

Gene: BRCA2 (BRCA2 DNA repair associated; plus strand). Cytogenetic location: 13q13.1.
Variant type: Deletion.
Identifiers: ClinVar variation 3244171 (VCV003244171.1).